The following is an entry in ClinVar:

NM_000384.3(APOB):c.2011A>T (p.Ser671Cys)

Gene: APOB (apolipoprotein B; minus strand). Cytogenetic location: 2p24.1.
Variant type: single nucleotide variant.
Coding change: c.2011A>T on transcript NM_000384.3 (MANE Select); coding-DNA position 2011, A replaced by T.
Protein change: p.Ser671Cys; replaces serine 671 with cysteine.
Molecular consequence: missense variant.
Genome position (GRCh38, 1-based): chr2:21,027,884, T>A on the plus strand (A>T on the coding strand, the complement: APOB is on the minus strand). VCF-style: chr2-21027884-T-A. GRCh37 (hg19) VCF-style: chr2-21250756-T-A.
Other names: short protein forms S671C.
Identifiers: ClinVar variation 2446983 (VCV002446983.6), dbSNP rs369491525, ClinGen allele CA055037.

ClinVar aggregate classification (germline): Conflicting classifications of pathogenicity. Review status: criteria provided, conflicting classifications (1 of 4 stars). 2 submissions from 2 submitters: Uncertain significance (1); Likely benign (1). Last evaluated 2025-05-24.

Conditions:
Familial hypobetalipoproteinemia 1. Also called: APOB-Related Familial Hypobetalipoproteinemia; Hypobetalipoproteinemia, normotriglyceridemic; Acanthocytosis with hypobetalipoproteinemia. Identifiers: MedGen C4551990, MONDO:0014252, OMIM 615558.
Hypercholesterolemia, autosomal dominant, type B (FHCL2). Also called: APOLIPOPROTEIN B-100, FAMILIAL DEFECTIVE; APOLIPOPROTEIN B-100, FAMILIAL LIGAND-DEFECTIVE; HYPERCHOLESTEROLEMIA, FAMILIAL, DUE TO LIGAND-DEFECTIVE APOLIPOPROTEIN B; Familial Hypercholesterolemia Type B; APOB-Related Familial Hypercholesterolemia, Autosomal Dominant; Hyperlipoproteinemia Type IIb. Identifiers: MedGen C1704417, MONDO:0007751, OMIM 144010.
Cardiovascular phenotype. Identifiers: MedGen CN230736.

Allele frequency attached by ClinVar (database versions not stated): ExAC 0.00001; TOPMed 0.00001; ESP Exome Variant Server 0.00008.

Submissions (2):

Ambry Genetics
Classification: Uncertain significance for Cardiovascular phenotype. Last evaluated: 2025-05-24. Review status: criteria provided, single submitter. Criteria: Ambry Variant Classification Scheme 2023. Collection method: clinical testing. Allele origin: germline.
Comment: The p.S671C variant (also known as c.2011A>T), located in coding exon 14 of the APOB gene, results from an A to T substitution at nucleotide position 2011. The serine at codon 671 is replaced by cysteine, an amino acid with dissimilar properties. This amino acid position is conserved. In addition, this alteration is predicted to be tolerated by in silico analysis. Since supporting evidence is limited at this time, the clinical significance of this alteration remains unclear.

Labcorp Genetics (formerly Invitae), Labcorp
Classification: Likely benign for Familial hypobetalipoproteinemia 1; Hypercholesterolemia, autosomal dominant, type B. Last evaluated: 2024-02-09. Review status: criteria provided, single submitter. Criteria: Invitae Variant Classification Sherloc (09022015). Collection method: clinical testing. Allele origin: germline.